The following is an entry in ClinVar:

NM_022173.4(TIA1):c.1038G>C (p.Gln346His)

Gene: TIA1 (TIA1 cytotoxic granule associated RNA binding protein; minus strand). Cytogenetic location: 2p13.3.
Variant type: single nucleotide variant.
Coding change: c.1038G>C on transcript NM_022173.4 (MANE Select); coding-DNA position 1038, G replaced by C.
Protein change: p.Gln346His; replaces glutamine 346 with histidine.
Molecular consequence: missense variant. On other transcripts: non-coding transcript variant (17).
Genome position (GRCh38, 1-based): chr2:70,212,842, C>G on the plus strand (G>C on the coding strand, the complement: TIA1 is on the minus strand). VCF-style: chr2-70212842-C-G. GRCh37 (hg19) VCF-style: chr2-70439974-C-G.
Other names: c.1035G>C, p.Gln345His (NM_001351508.2); c.1011G>C, p.Gln337His (NM_001351509.2); c.1002G>C, p.Gln334His (NM_001351510.2); c.927G>C, p.Gln309His (NM_001351511.1); c.900G>C, p.Gln300His (NM_001351512.1); c.894G>C, p.Gln298His (NM_001351513.1); c.810G>C, p.Gln270His (NM_001351514.2); c.735G>C, p.Gln245His (NM_001351515.2); and 3 more; short protein forms Q334H, Q335H, Q346H, Q245H, Q270H, Q337H, Q298H, Q309H.
Identifiers: ClinVar variation 2060003 (VCV002060003.4), dbSNP rs1676848601, ClinGen allele CA347149453.

ClinVar aggregate classification (germline): Uncertain significance (1 of 4 stars; one submission).

Conditions:
Welander distal myopathy (WDM). Also called: Gower's muscular dystrophy; Welander distal myopathy, Swedish type; Distal myopathy, Swedish type; MUSCULAR DYSTROPHY, DISTAL, LATE-ONSET, AUTOSOMAL DOMINANT. Identifiers: Orphanet 603, MedGen C0221054, MONDO:0011466, OMIM 604454.

Submission:

Labcorp Genetics (formerly Invitae), Labcorp
Classification: Uncertain significance for Welander distal myopathy. Last evaluated: 2022-07-25. Review status: criteria provided, single submitter. Criteria: Invitae Variant Classification Sherloc (09022015). Collection method: clinical testing. Allele origin: germline.
Comment: In summary, the available evidence is currently insufficient to determine the role of this variant in disease. Therefore, it has been classified as a Variant of Uncertain Significance. Algorithms developed to predict the effect of sequence changes on RNA splicing suggest that this variant may disrupt the consensus splice site. This sequence change replaces glutamine, which is neutral and polar, with histidine, which is basic and polar, at codon 346 of the TIA1 protein (p.Gln346His). This variant is not present in population databases (gnomAD no frequency). This variant has not been reported in the literature in individuals affected with TIA1-related conditions. Algorithms developed to predict the effect of missense changes on protein structure and function (SIFT, PolyPhen-2, Align-GVGD) all suggest that this variant is likely to be tolerated.